The following is an entry in ClinVar:

ClinVar aggregate classification (germline): Likely benign (1 of 4 stars; one submission).

Submission:

GeneDx
Classification: Likely benign. Last evaluated: 2017-11-09. Review status: criteria provided, single submitter. Criteria: GeneDx Variant Classification (06012015). Collection method: clinical testing. Allele origin: germline. Affected: yes.
Comment: This variant is considered likely benign or benign based on one or more of the following criteria: it is a conservative change, it occurs at a poorly conserved position in the protein, it is predicted to be benign by multiple in silico algorithms, and/or has population frequency not consistent with disease.

NM_144670.4(A2ML1):c.-50C>G

Genes: A2ML1 (alpha-2-macroglobulin like 1; plus strand), A2ML1-AS1 (A2ML1 antisense RNA 1; minus strand). Cytogenetic location: 12p13.31.
Variant type: single nucleotide variant.
Coding change: c.-50C>G on transcript NM_144670.4; 50 bases upstream of the start codon, C replaced by G.
Genome position (GRCh38, 1-based): chr12:8,822,602, C>G. VCF-style: chr12-8822602-C-G. GRCh37 (hg19) VCF-style: chr12-8975198-C-G.
Identifiers: ClinVar variation 513335 (VCV000513335.3), dbSNP rs781435396, ClinGen allele CA658797841.